The following is an entry in ClinVar:

ClinVar aggregate classification (germline): Uncertain significance (1 of 4 stars; one submission).

gnomAD v4.1: 1 of 1,613,972 alleles (0.000062%); highest among the groups gnomAD compares: Middle Eastern, 0.016%; no homozygotes.

Submission:

Dasa
Classification: Uncertain significance. Last evaluated: 2025-08-18. Review status: criteria provided, single submitter. Criteria: DASA Assertion Criteria. Collection method: clinical testing. Allele origin: germline.
Comment: NM_003718.5(CDK13):c.1307C>T (p.Ser436Phe) is a missense variant that results in the substitution of serine with phenylalanine. This variant is rare in population databases. The currently available literature and clinical evidence are not sufficient to establish a definitive association between this variant and the reported condition. Therefore, this variant is classified as a variant of uncertain significance.

NM_003718.5(CDK13):c.1307C>T (p.Ser436Phe)

Gene: CDK13 (cyclin dependent kinase 13; plus strand). Cytogenetic location: 7p14.1.
Variant type: single nucleotide variant.
Coding change: c.1307C>T on transcript NM_003718.5 (MANE Select); coding-DNA position 1307, C replaced by T.
Protein change: p.Ser436Phe; replaces serine 436 with phenylalanine.
Molecular consequence: missense variant.
Genome position (GRCh38, 1-based): chr7:39,987,694, C>T. VCF-style: chr7-39987694-C-T. GRCh37 (hg19) VCF-style: chr7-40027293-C-T.
Other names: c.1307C>T, p.Ser436Phe (NM_031267.4); short protein forms S436F.
Identifiers: ClinVar variation 4885040 (VCV004885040.2).